The following is an entry in ClinVar:

ClinVar aggregate classification (germline): Benign/Likely benign. Review status: criteria provided, multiple submitters, no conflicts (2 of 4 stars). 2 submissions from 2 submitters: Benign (1); Likely benign (1). Last evaluated 2026-01-24.

Conditions:
KMT2D-related disorder. Also called: KMT2D-Related Disorders.
Kabuki syndrome. Also called: Kabuki make-up syndrome; NIIKAWA-KUROKI SYNDROME. Identifiers: Orphanet 2322, MedGen C0796004, MONDO:0016512.

gnomAD v4.1: 15 of 1,510,892 alleles (0.00099%); highest among the groups gnomAD compares: Non-Finnish European, 0.0013%; no homozygotes.

Submissions (2):

Labcorp Genetics (formerly Invitae), Labcorp
Classification: Benign for Kabuki syndrome. Last evaluated: 2026-01-24. Review status: criteria provided, single submitter. Criteria: Invitae Variant Classification Sherloc (09022015). Collection method: clinical testing. Allele origin: germline.

PreventionGenetics, part of Exact Sciences
Classification: Likely benign for KMT2D-related condition. Last evaluated: 2024-11-19. Review status: criteria provided, single submitter. Criteria: ACMG Guidelines, 2015. Collection method: clinical testing. Allele origin: germline.
Comment: This variant is classified as likely benign based on ACMG/AMP sequence variant interpretation guidelines (Richards et al. 2015 PMID: 25741868, with internal and published modifications).

NM_003482.4(KMT2D):c.2496C>T (p.His832=)

Gene: KMT2D (lysine methyltransferase 2D; minus strand). Cytogenetic location: 12q13.12.
Variant type: single nucleotide variant.
Coding change: c.2496C>T on transcript NM_003482.4 (MANE Select); coding-DNA position 2496, C replaced by T.
Protein change: p.His832=; no amino-acid change (histidine 832 retained).
Molecular consequence: synonymous variant.
Genome position (GRCh38, 1-based): chr12:49,051,187, G>A on the plus strand (C>T on the coding strand, the complement: KMT2D is on the minus strand). VCF-style: chr12-49051187-G-A. GRCh37 (hg19) VCF-style: chr12-49444970-G-A.
Identifiers: ClinVar variation 3665432 (VCV003665432.3).